The following is an entry in ClinVar:

NM_000359.3(TGM1):c.1877del (p.Gly626fs)

Gene: TGM1 (transglutaminase 1; minus strand). Cytogenetic location: 14q12.
Variant type: Deletion.
Coding change: c.1877del on transcript NM_000359.3 (MANE Select); coding-DNA position 1877, one base deleted (G; older notation c.1877delG).
Protein change: p.Gly626fs; shifts the reading frame from glycine 626.
Molecular consequence: frameshift variant.
Genome position (GRCh38, 1-based): chr14:24,255,022, C deleted on the plus strand (G on the coding strand, the reverse complement: TGM1 is on the minus strand); the first of 2 consecutive C bases (chr14:24,255,022-24,255,023); deleting either gives the same sequence. VCF-style (leftmost placement, unchanged base first): chr14-24255021-AC-A. GRCh37 (hg19) VCF-style: chr14-24724227-AC-A.
Other names: short protein forms G626fs.
Identifiers: ClinVar variation 1445403 (VCV001445403.7), dbSNP rs2139019336, ClinGen allele CA2573149798.
Genomic context (GRCh38, chr14:24,255,021, plus strand): 5'-GGAGCACTTACAGGCCCCTGGTGCCAGCTCCACTTCCTTCTTGGTCTCCTTGAAGATGGT[AC>A]CACTGACACCAGTATAGAAAGTGACTGAGAGGTAGAGGTGCAGTTTCACTGTGCGGCGGC-3'

ClinVar aggregate classification (germline): Pathogenic/Likely pathogenic. Review status: criteria provided, multiple submitters, no conflicts (2 of 4 stars). 2 submissions from 2 submitters: Pathogenic (1); Likely pathogenic (1). Last evaluated 2023-11-27.

Conditions:
Autosomal recessive congenital ichthyosis 1 (LI1). Also called: COLLODION FETUS; DESQUAMATION OF NEWBORN; ICHTHYOSIS CONGENITA; ICHTHYOSIS CONGENITA II; LAMELLAR EXFOLIATION OF NEWBORN; ICHTHYOSIS, CONGENITAL, AUTOSOMAL RECESSIVE 1, WITH BATHING SUIT DISTRIBUTION. Identifiers: MedGen C4551630, MONDO:0009441, OMIM 242300.

Submissions (2):

Baylor Genetics
Classification: Likely pathogenic for Autosomal recessive congenital ichthyosis 1. Last evaluated: 2023-11-27. Review status: criteria provided, single submitter. Criteria: ACMG Guidelines, 2015. Collection method: clinical testing. Allele origin: unknown.

Labcorp Genetics (formerly Invitae), Labcorp
Classification: Pathogenic. Last evaluated: 2021-11-10. Review status: criteria provided, single submitter. Criteria: Invitae Variant Classification Sherloc (09022015). Collection method: clinical testing. Allele origin: germline.
Comment: This sequence change creates a premature translational stop signal (p.Gly626Valfs*21) in the TGM1 gene. It is expected to result in an absent or disrupted protein product. Loss-of-function variants in TGM1 are known to be pathogenic (PMID: 18948357, 19241467). This variant is not present in population databases (gnomAD no frequency). This variant has not been reported in the literature in individuals affected with TGM1-related conditions. For these reasons, this variant has been classified as Pathogenic.

Literature cited by the submitters: PubMed 18948357 (cited by Labcorp Genetics (formerly Invitae), Labcorp); PubMed 19241467 (cited by Labcorp Genetics (formerly Invitae), Labcorp).